The following is an entry in ClinVar:

ClinVar aggregate classification (germline): Likely benign. Review status: criteria provided, multiple submitters, no conflicts (2 of 4 stars). 3 submissions from 3 submitters: Likely benign (3). Last evaluated 2025-08-19.

Conditions:
Hereditary sensory and autonomic neuropathy type 6. Also called: HSAN VI; Neuropathy, hereditary sensory and autonomic, type VI. Identifiers: Orphanet 314381, MedGen C3539003, MONDO:0013839, OMIM 614653.
Epidermolysis bullosa simplex 3, localized or generalized intermediate, with BP230 deficiency (EBS3). Also called: Epidermolysis bullosa simplex due to BP230 deficiency; Epidermolysis bullosa simplex, autosomal recessive 2. Identifiers: Orphanet 412181, MedGen C3809470, MONDO:0014180, OMIM 615425.
Inborn genetic diseases. Identifiers: MedGen C0950123, MeSH D030342.

gnomAD v4.1: 2 of 1,611,736 alleles (0.00012%); highest among the groups gnomAD compares: Non-Finnish European, 0.00017%; no homozygotes.

Submissions (3):

Mayo Clinic Laboratories, Mayo Clinic
Classification: Likely benign. Last evaluated: 2025-08-19. Review status: criteria provided, single submitter. Criteria: ACMG Guidelines, 2015. Collection method: clinical testing. Allele origin: germline. Observed: 1 variant allele.
Comment: BP4, BP7

Labcorp Genetics (formerly Invitae), Labcorp
Classification: Likely benign for Epidermolysis bullosa simplex 3, localized or generalized intermediate, with BP230 deficiency; Hereditary sensory and autonomic neuropathy type 6. Last evaluated: 2023-11-03. Review status: criteria provided, single submitter. Criteria: Invitae Variant Classification Sherloc (09022015). Collection method: clinical testing. Allele origin: germline.

Ambry Genetics
Classification: Likely benign for Inborn genetic diseases. Last evaluated: 2022-04-20. Review status: criteria provided, single submitter. Criteria: Ambry Variant Classification Scheme 2023. Collection method: clinical testing. Allele origin: germline.

NM_001374736.1(DST):c.4143-4T>G

Gene: DST (dystonin; minus strand). Cytogenetic location: 6p12.1.
Variant type: single nucleotide variant.
Coding change: c.4143-4T>G on transcript NM_001374736.1 (MANE Select); 4 bases into the intron before coding-DNA position 4143, T replaced by G.
Molecular consequence: intron variant.
Genome position (GRCh38, 1-based): chr6:56,630,387, A>C on the plus strand (T>G on the coding strand, the complement: DST is on the minus strand). VCF-style: chr6-56630387-A-C. GRCh37 (hg19) VCF-style: chr6-56495185-A-C.
Other names: p.?; c.4044-4T>G (NM_001144769.5); c.4143-4T>G (NM_001374722.1); c.4170-4T>G (NM_001374734.1); c.3630-4T>G (NM_001144770.2); c.3510-4T>G (NM_001374730.1, NM_001386100.1, NM_183380.4 and 1 more transcripts); c.2532-4T>G (NM_015548.5, NM_001723.7).
Identifiers: ClinVar variation 1595414 (VCV001595414.11), dbSNP rs2152757741, ClinGen allele CA2573141064.